The following is an entry in ClinVar:

NM_001282933.2(ZNF341):c.1640A>G (p.Asn547Ser)

Gene: ZNF341 (zinc finger protein 341; plus strand). Cytogenetic location: 20q11.22.
Variant type: single nucleotide variant.
Coding change: c.1640A>G on transcript NM_001282933.2 (MANE Select); coding-DNA position 1640, A replaced by G.
Protein change: p.Asn547Ser; replaces asparagine 547 with serine.
Molecular consequence: missense variant.
Genome position (GRCh38, 1-based): chr20:33,781,308, A>G. VCF-style: chr20-33781308-A-G. GRCh37 (hg19) VCF-style: chr20-32369114-A-G.
Other names: p.Asn540Ser; c.1370A>G, p.Asn457Ser (NM_001282935.2); c.1619A>G, p.Asn540Ser (NM_032819.5); c.1619A>G (NM_032819.4); short protein forms N457S, N540S, N547S.
Identifiers: ClinVar variation 1299847 (VCV001299847.11), dbSNP rs147329875, ClinGen allele CA9819507.

ClinVar aggregate classification (germline): Benign/Likely benign. Review status: criteria provided, multiple submitters, no conflicts (2 of 4 stars). 5 submissions from 5 submitters: Benign (1); Likely benign (2). 2 of the submissions do not count toward it. Last evaluated 2026-02-03.

Allele frequency attached by ClinVar (database versions not stated): 1000 Genomes Project 0.00060; 1000 Genomes Project 30x 0.00062; TOPMed 0.00086; gnomAD 0.00093; ESP Exome Variant Server 0.00100; gnomAD exomes 0.00150 and 0.00171; ExAC 0.00194.
gnomAD v4.1: 2,331 of 1,614,036 alleles (0.14%); highest among the groups gnomAD compares: Non-Finnish European, 0.16%; 2 homozygotes.

Submissions (5):

Labcorp Genetics (formerly Invitae), Labcorp
Classification: Benign. Last evaluated: 2026-02-03. Review status: criteria provided, single submitter. Criteria: Invitae Variant Classification Sherloc (09022015). Collection method: clinical testing. Allele origin: germline.

Mayo Clinic Laboratories, Mayo Clinic
Classification: Likely benign. Last evaluated: 2025-02-19. Review status: criteria provided, single submitter. Criteria: ACMG Guidelines, 2015. Collection method: clinical testing. Allele origin: germline. Observed: 1 variant allele.
Comment: BS1, BP4_moderate

Blueprint Genetics
Classification: Likely benign. Last evaluated: 2024-11-08. Review status: criteria provided, single submitter. Criteria: ACMG Guidelines, 2015. Collection method: clinical testing. Allele origin: germline.

Clinical Genetics DNA and cytogenetics Diagnostics Lab, Erasmus MC, Erasmus Medical Center
Classification: Likely benign. Review status: no assertion criteria provided. Collection method: clinical testing. Allele origin: germline. Affected: yes. Study: VKGL Data-share Consensus. Not counted in ClinVar's aggregate classification.

Genome Diagnostics Laboratory, University Medical Center Utrecht
Classification: Likely benign. Review status: no assertion criteria provided. Collection method: clinical testing. Allele origin: germline. Affected: yes. Study: VKGL Data-share Consensus. Not counted in ClinVar's aggregate classification.